The following is an entry in ClinVar:

NM_024747.6(HPS6):c.455C>G (p.Ser152Ter)

Gene: HPS6 (HPS6 biogenesis of lysosomal organelles complex 2 subunit 3; plus strand). Cytogenetic location: 10q24.32.
Variant type: single nucleotide variant.
Coding change: c.455C>G on transcript NM_024747.6 (MANE Select); coding-DNA position 455, C replaced by G.
Protein change: p.Ser152Ter; replaces serine 152 with a stop codon.
Molecular consequence: nonsense.
Genome position (GRCh38, 1-based): chr10:102,065,929, C>G. VCF-style: chr10-102065929-C-G. GRCh37 (hg19) VCF-style: chr10-103825686-C-G.
Other names: short protein forms S152*.
Identifiers: ClinVar variation 3629637 (VCV003629637.1).

ClinVar aggregate classification (germline): Pathogenic (1 of 4 stars; one submission).

Conditions:
Hermansky-Pudlak syndrome (HPS). Also called: ALBINISM WITH HEMORRHAGIC DIATHESIS AND PIGMENTED RETICULOENDOTHELIAL CELLS. Identifiers: Orphanet 79430, MedGen C0079504, MONDO:0019312.

Submission:

Women's Health and Genetics/Laboratory Corporation of America, LabCorp
Classification: Pathogenic for Hermansky-Pudlak syndrome. Last evaluated: 2024-11-14. Review status: criteria provided, single submitter. Criteria: LabCorp Variant Classification Summary - May 2015. Collection method: clinical testing. Allele origin: germline.
Comment: Variant summary: HPS6 c.455C>G (p.Ser152*) results in a premature termination codon, predicted to cause a truncation of the encoded protein, which is a commonly known mechanism for disease. Variants downstream of this position have been classified as pathogenic by our laboratory and in ClinVar. The variant was absent in 167950 control chromosomes. c.455C>G has been reported in the literature in individuals affected with Hermansky-Pudlak Syndrome (e.g, Lasseaux_2018). These data indicate that the variant may be associated with disease. To our knowledge, no experimental evidence demonstrating an impact on protein function has been reported. The following publication has been ascertained in the context of this evaluation (PMID: 29345414). No submitters have cited clinical-significance assessments for this variant to ClinVar. Based on the evidence outlined above, the variant was classified as pathogenic.

Literature cited by the submitters: PubMed 29345414.